The following is an entry in ClinVar:

NM_001267550.2(TTN):c.88747A>G (p.Met29583Val)

Genes: TTN (titin; minus strand), TTN-AS1 (TTN antisense RNA 1; plus strand). Cytogenetic location: 2q31.2.
Variant type: single nucleotide variant.
Coding change: c.88747A>G on transcript NM_001267550.2 (MANE Select); coding-DNA position 88747, A replaced by G.
Protein change: p.Met29583Val; replaces methionine 29583 with valine.
Molecular consequence: missense variant.
Genome position (GRCh38, 1-based): chr2:178,554,600, T>C on the plus strand (A>G on the coding strand, the complement: TTN is on the minus strand). VCF-style: chr2-178554600-T-C. GRCh37 (hg19) VCF-style: chr2-179419327-T-C.
Other names: c.81043A>G, p.Met27015Val (NM_133378.4); c.61927A>G, p.Met20643Val (NM_133432.3); c.62128A>G, p.Met20710Val (NM_133437.4); c.61552A>G, p.Met20518Val (NM_003319.4); c.83824A>G, p.Met27942Val (NM_001256850.1); short protein forms M20518V, M20643V, M20710V, M27015V, M27942V, M29583V.
Identifiers: ClinVar variation 4074379 (VCV004074379.1).
Genomic context (GRCh38, chr2:178,554,600, plus strand): 5'-CATTTCCTTTGATAATTTTGGTGGTTGTAATGATGCACTCTTCCAAATGTTCAGACACCA[T>C]AGACCACACAACGCGGCTTGTCTCACGCTTTTCCACAATGTAGTGAGTGATTTTTGCACC-3'
Protein context (NP_001254479.2, residues 29573-29593): KRETSRVVWS[Met29583Val]VSEHLEECII

ClinVar aggregate classification (germline): Uncertain significance (1 of 4 stars; one submission).

gnomAD v4.1: 11 of 1,613,940 alleles (0.00068%); highest among the groups gnomAD compares: African/African-American, 0.0067%; no homozygotes.

Submission:

GeneDx
Classification: Uncertain significance. Last evaluated: 2025-02-05. Review status: criteria provided, single submitter. Criteria: GeneDx Variant Classification Process June 2021. Collection method: clinical testing. Allele origin: germline. Affected: yes.
Comment: Identified among a cohort of individuals with DCM, although patient-specific detail was not provided (PMID: 31983221); Not observed at significant frequency in large population cohorts (gnomAD); Missense variant in a gene in which most reported pathogenic variants are truncating/loss of function; This variant is associated with the following publications: (PMID: 23975875, 31983221)